The following is an entry in ClinVar:

NM_014363.6(SACS):c.10305T>C (p.Ser3435=)

Gene: SACS (sacsin molecular chaperone; minus strand). Cytogenetic location: 13q12.12.
Variant type: single nucleotide variant.
Coding change: c.10305T>C on transcript NM_014363.6 (MANE Select); coding-DNA position 10305, T replaced by C.
Protein change: p.Ser3435=; no amino-acid change (serine 3435 retained).
Molecular consequence: synonymous variant.
Genome position (GRCh38, 1-based): chr13:23,333,571, A>G on the plus strand (T>C on the coding strand, the complement: SACS is on the minus strand). VCF-style: chr13-23333571-A-G. GRCh37 (hg19) VCF-style: chr13-23907710-A-G.
Other names: p.Ser3435=; c.9864T>C, p.Ser3288= (NM_001278055.2).
Identifiers: ClinVar variation 528027 (VCV000528027.31), dbSNP rs35670472, ClinGen allele CA6910469.

ClinVar aggregate classification (germline): Conflicting classifications of pathogenicity. Review status: criteria provided, conflicting classifications (1 of 4 stars). 11 submissions from 11 submitters: Uncertain significance (1); Benign (3); Likely benign (3). 4 of the submissions do not count toward it. Last evaluated 2026-01-28.

Conditions:
Hereditary spastic paraplegia. Also called: Familial spastic paraparesis. Identifiers: Orphanet 685, MedGen C0037773, MONDO:0019064. Disease mechanism: loss of function.
Spastic paraplegia. Identifiers: MedGen C0037772, HP:0001258.
Charlevoix-Saguenay spastic ataxia (SACS). Also called: SPASTIC ATAXIA 6, AUTOSOMAL RECESSIVE; AUTOSOMAL RECESSIVE SPASTIC ATAXIA OF CHARLEVOIX-SAGUENAY; Spastic ataxia of Charlevoix-Saguenay. Identifiers: Orphanet 98, MedGen C1849140, MONDO:0010041, OMIM 270550.
SACS-related disorder. Also called: SACS-related condition.

Allele frequency attached by ClinVar (database versions not stated): gnomAD exomes 0.00090 and 0.00246; ExAC 0.00311; gnomAD 0.00933 and 0.00986; TOPMed 0.01080; ESP Exome Variant Server 0.01153; 1000 Genomes Project 0.01158; 1000 Genomes Project 30x 0.01218.
gnomAD v4.1: 2,797 of 1,613,646 alleles (0.17%); highest among the groups gnomAD compares: African/African-American, 3.3%; 46 homozygotes.

Submissions (11):

Labcorp Genetics (formerly Invitae), Labcorp
Classification: Benign for Spastic paraplegia. Last evaluated: 2026-01-28. Review status: criteria provided, single submitter. Criteria: Invitae Variant Classification Sherloc (09022015). Collection method: clinical testing. Allele origin: germline.

Athena Diagnostics
Classification: Benign. Last evaluated: 2024-03-18. Review status: criteria provided, single submitter. Criteria: Athena Diagnostics Criteria. Collection method: clinical testing. Allele origin: unknown.

Genome-Nilou Lab
Classification: Likely benign for Charlevoix-Saguenay spastic ataxia. Last evaluated: 2021-09-05. Review status: criteria provided, single submitter. Criteria: ACMG Guidelines, 2015. Collection method: clinical testing. Allele origin: germline. Affected: no.

Mayo Clinic Laboratories, Mayo Clinic
Classification: Benign. Last evaluated: 2020-02-25. Review status: criteria provided, single submitter. Criteria: ACMG Guidelines, 2015. Collection method: clinical testing. Allele origin: germline. Observed: 15 variant alleles.

GeneDx
Classification: Likely benign. Last evaluated: 2020-01-07. Review status: criteria provided, single submitter. Criteria: GeneDx Variant Classification Process June 2021. Collection method: clinical testing. Allele origin: germline. Affected: yes.

Genome Diagnostics Laboratory, The Hospital for Sick Children
Classification: Likely benign for Hereditary spastic paraplegia. Last evaluated: 2017-06-23. Review status: criteria provided, single submitter. Criteria: ACMG Guidelines, 2015. Collection method: clinical testing. Allele origin: germline. Affected: yes.

Illumina Laboratory Services, Illumina
Classification: Uncertain significance for Charlevoix-Saguenay spastic ataxia. Last evaluated: 2017-04-27. Review status: criteria provided, single submitter. Criteria: ICSL Variant Classification Criteria 13 December 2019. Collection method: clinical testing. Allele origin: germline.

Natera, Inc.
Classification: Benign for Charlevoix-Saguenay type spastic ataxia. Last evaluated: 2020-09-16. Review status: no assertion criteria provided. Collection method: clinical testing. Allele origin: germline. Not counted in ClinVar's aggregate classification.

PreventionGenetics, part of Exact Sciences
Classification: Benign for SACS-related condition. Last evaluated: 2019-08-07. Review status: no assertion criteria provided. Collection method: clinical testing. Allele origin: germline. Not counted in ClinVar's aggregate classification.
Comment: This variant is classified as benign based on ACMG/AMP sequence variant interpretation guidelines (Richards et al. 2015 PMID: 25741868, with internal and published modifications).

Clinical Genetics DNA and cytogenetics Diagnostics Lab, Erasmus MC, Erasmus Medical Center
Classification: Likely benign. Review status: no assertion criteria provided. Collection method: clinical testing. Allele origin: germline. Affected: yes. Study: VKGL Data-share Consensus. Not counted in ClinVar's aggregate classification.

Joint Genome Diagnostic Labs from Nijmegen and Maastricht, Radboudumc and MUMC+
Classification: Benign. Review status: no assertion criteria provided. Collection method: clinical testing. Allele origin: germline. Affected: yes. Study: VKGL Data-share Consensus. Not counted in ClinVar's aggregate classification.